The following is an entry in ClinVar:

ClinVar aggregate classification (germline): not provided (0 of 4 stars; one submission).

Conditions:
Large for gestational age. Identifiers: MedGen C1848395, HP:0001520.

Submission:

Institute of Molecular and Cell Biology, University of Tartu
No classification provided. Condition: Large for gestational age. Review status: no classification provided. Collection method: case-control. Allele origin: unknown. Affected: yes. Study: Kasak2014.
Comment: The study aimed to determine the contribution of copy number variants in the genetic etiology of normal and complicated pregnancies. The samples represented (i) maternal blood DNA drawn from healthy pregnant women during 1st or 2nd trimester and (ii) maternal and paternal blood DNA drawn at term pregnancy cases representing normal and complicated gestations (severe preeclampsia, PE; gestational diabetes, GD; small-for-gestational age newborn, SGA; large-for-gestational age newborn, LGA). We performed CNV calling based on genome-wide genotyping dataset (Illumina HumanOmniExpress-24-v1 BeadChip) by applying three algorithms, QuantiSNP, GADA (Genome Alteration Detection Algorithm) and CNstream in parallel. The acquired CNV calls were merged with HD-CNV (Hotspot Detector for Copy Number Variants) program and only the CNVs predicted by at least two programs, were considered in subsequent analysis.

Literature cited by the submitters: PubMed 25666259.

NR_038292.1(LINC01012):n.-29277_-1350dup

Genes: TRI-AAT2-1 (tRNA-Ile (anticodon AAT) 2-1; plus strand), TRI-AAT8-1 (tRNA-Ile (anticodon AAT) 8-1; plus strand), TRR-ACG2-4 (tRNA-Arg (anticodon ACG) 2-4; minus strand), TRS-CGA3-1 (tRNA-Ser (anticodon CGA) 3-1; minus strand), TRT-AGT2-2 (tRNA-Thr (anticodon AGT) 2-2; minus strand) and 6 more. Cytogenetic location: 6p22.1.
Variant type: Duplication.
Identifiers: ClinVar variation 157002 (VCV000157002.2).